The following is an entry in ClinVar:

ClinVar aggregate classification (germline): Uncertain significance (1 of 4 stars; one submission).

Allele frequency attached by ClinVar (database versions not stated): gnomAD 0.00001; gnomAD exomes 0.00001; TOPMed 0.00001; ExAC 0.00002.
gnomAD v4.1: 8 of 1,614,018 alleles (0.0005%); highest among the groups gnomAD compares: East Asian, 0.018%; no homozygotes.

Submission:

Labcorp Genetics (formerly Invitae), Labcorp
Classification: Uncertain significance. Last evaluated: 2022-06-12. Review status: criteria provided, single submitter. Criteria: Invitae Variant Classification Sherloc (09022015). Collection method: clinical testing. Allele origin: germline.
Comment: In summary, the available evidence is currently insufficient to determine the role of this variant in disease. Therefore, it has been classified as a Variant of Uncertain Significance. Algorithms developed to predict the effect of sequence changes on RNA splicing suggest that this variant may disrupt the consensus splice site. This variant has not been reported in the literature in individuals affected with DNAH9-related conditions. This variant is present in population databases (rs768577116, gnomAD 0.05%). This sequence change affects codon 1676 of the DNAH9 mRNA. It is a 'silent' change, meaning that it does not change the encoded amino acid sequence of the DNAH9 protein.

NM_001372.4(DNAH9):c.5028A>G (p.Val1676=)

Gene: DNAH9 (dynein axonemal heavy chain 9; plus strand). Cytogenetic location: 17p12.
Variant type: single nucleotide variant.
Coding change: c.5028A>G on transcript NM_001372.4 (MANE Select); coding-DNA position 5028, A replaced by G.
Protein change: p.Val1676=; no amino-acid change (valine 1676 retained).
Molecular consequence: synonymous variant.
Genome position (GRCh38, 1-based): chr17:11,701,124, A>G. VCF-style: chr17-11701124-A-G. GRCh37 (hg19) VCF-style: chr17-11604441-A-G.
Identifiers: ClinVar variation 1905765 (VCV001905765.5), dbSNP rs768577116, ClinGen allele CA8395892.